The following is an entry in ClinVar:

NM_015910.7(WDPCP):c.6G>A (p.Arg2=)

Gene: WDPCP (WD repeat containing planar cell polarity effector; minus strand). Cytogenetic location: 2p15.
Variant type: single nucleotide variant.
Coding change: c.6G>A on transcript NM_015910.7 (MANE Select); coding-DNA position 6, G replaced by A.
Protein change: p.Arg2=; no amino-acid change (arginine 2 retained).
Molecular consequence: synonymous variant. On other transcripts: 5 prime UTR variant (1), non-coding transcript variant (2).
Genome position (GRCh38, 1-based): chr2:63,588,266, C>T on the plus strand (G>A on the coding strand, the complement: WDPCP is on the minus strand). VCF-style: chr2-63588266-C-T. GRCh37 (hg19) VCF-style: chr2-63815400-C-T.
Other names: c.-319G>A (NM_001354044.2); c.6G>A, p.Arg2= (NM_001354045.2); c.6G>A (NM_015910.5).
Identifiers: ClinVar variation 2156427 (VCV002156427.5), dbSNP rs1388630682, ClinGen allele CA426392292.
Genomic context (GRCh38, chr2:63,588,266, plus strand): 5'-GAGTGGGGAAGAAGCGCGACTCCCGGCCGCTTTGGAGTAGGCGTCCCAGCAAAACTCTCG[C>T]CTCATCACCAGACACTACCCCGGGCAGAAGGTTCCTAGGCTAGGTCCTCGGACCCGAGAG-3'
Protein context (NP_056994.3, residues 1-12): M[Arg2=]REFCWDAYSK

ClinVar aggregate classification (germline): Likely benign. Review status: criteria provided, multiple submitters, no conflicts (2 of 4 stars). 2 submissions from 2 submitters: Likely benign (2). Last evaluated 2026-02-20.

Conditions:
Bardet-Biedl syndrome (BBS). Identifiers: Orphanet 110, MedGen C0752166, MONDO:0015229.
WDPCP-related disorder. Also called: WDPCP-related condition.

Allele frequency attached by ClinVar (database versions not stated): gnomAD exomes below 0.00001.
gnomAD v4.1: 5 of 1,574,394 alleles (0.00032%); highest among the groups gnomAD compares: Admixed American, 0.0018%; no homozygotes.

Submissions (2):

PreventionGenetics, part of Exact Sciences
Classification: Likely benign for WDPCP-related condition. Last evaluated: 2026-02-20. Review status: criteria provided, single submitter. Criteria: ACMG Guidelines, 2015. Collection method: clinical testing. Allele origin: germline.
Comment: This variant is classified as likely benign based on ACMG/AMP sequence variant interpretation guidelines (Richards et al. 2015 PMID: 25741868, with internal and published modifications).

Labcorp Genetics (formerly Invitae), Labcorp
Classification: Likely benign for Bardet-Biedl syndrome. Last evaluated: 2022-06-16. Review status: criteria provided, single submitter. Criteria: Invitae Variant Classification Sherloc (09022015). Collection method: clinical testing. Allele origin: germline.